The following is an entry in ClinVar:

ClinVar aggregate classification (germline): Uncertain significance (1 of 4 stars; one submission).

Conditions:
Dyskeratosis congenita, autosomal dominant 6 (DKCA6). Identifiers: Orphanet 3322, MedGen C4225284, MONDO:0014690, OMIM 616553.

Submission:

Labcorp Genetics (formerly Invitae), Labcorp
Classification: Uncertain significance for Dyskeratosis congenita, autosomal dominant 6. Last evaluated: 2025-10-04. Review status: criteria provided, single submitter. Criteria: Invitae Variant Classification Sherloc (09022015). Collection method: clinical testing. Allele origin: germline.
Comment: This sequence change replaces alanine, which is neutral and non-polar, with serine, which is neutral and polar, at codon 528 of the ACD protein (p.Ala528Ser). This variant is not present in population databases (gnomAD no frequency). This variant has not been reported in the literature in individuals affected with ACD-related conditions. Invitae Evidence Modeling of protein sequence and biophysical properties (such as structural, functional, and spatial information, amino acid conservation, physicochemical variation, residue mobility, and thermodynamic stability) indicates that this missense variant is expected to disrupt ACD protein function with a positive predictive value of 80%. In summary, the available evidence is currently insufficient to determine the role of this variant in disease. Therefore, it has been classified as a Variant of Uncertain Significance.

NM_001082486.2(ACD):c.1324G>T (p.Ala442Ser)

Gene: ACD (ACD shelterin complex subunit and telomerase recruitment factor; minus strand). Cytogenetic location: 16q22.1.
Variant type: single nucleotide variant.
Coding change: c.1324G>T on transcript NM_001082486.2 (MANE Select); coding-DNA position 1324, G replaced by T.
Protein change: p.Ala442Ser; replaces alanine 442 with serine.
Molecular consequence: missense variant.
Genome position (GRCh38, 1-based): chr16:67,657,659, C>A on the plus strand (G>T on the coding strand, the complement: ACD is on the minus strand). VCF-style: chr16-67657659-C-A. GRCh37 (hg19) VCF-style: chr16-67691562-C-A.
Other names: c.1237G>T, p.Ala413Ser (NM_001410884.1); c.1315G>T, p.Ala439Ser (NM_022914.3); short protein forms A439S, A413S, A442S.
Identifiers: ClinVar variation 4697619 (VCV004697619.1).